The following is an entry in ClinVar:

NM_000077.5(CDKN2A):c.26T>C (p.Met9Thr)

Gene: CDKN2A (cyclin dependent kinase inhibitor 2A; minus strand). Cytogenetic location: 9p21.3.
Variant type: single nucleotide variant.
Coding change: c.26T>C on transcript NM_000077.5; coding-DNA position 26, T replaced by C.
Protein change: p.Met9Thr; replaces methionine 9 with threonine.
Molecular consequence: missense variant (on NM_000077.6). On other transcripts: intron variant (2).
Genome position (GRCh38, 1-based): chr9:21,974,802, A>G on the plus strand (T>C on the coding strand, the complement: CDKN2A is on the minus strand). VCF-style: chr9-21974802-A-G. GRCh37 (hg19) VCF-style: chr9-21974801-A-G.
Other names: c.26T>C, p.Met9Thr (NM_000077.6, NM_001195132.2, NM_058197.5); c.-3-3594T>C (NM_001363763.2); c.194-3594T>C (NM_058195.4); short protein forms M9T.
Identifiers: ClinVar variation 483319 (VCV000483319.15), dbSNP rs145445140, ClinGen allele CA373086695.
Genomic context (GRCh38, chr9:21,974,802, plus strand): 5'-CGCACCTCCTCTACCCGACCCCGGGCCGCGGCCGTGGCCAGCCAGTCAGCCGAAGGCTCC[A>G]TGCTGCTCCCCGCCGCCGGCTCCATGCTGCTCCCCGCCGCCCGCTGCCTGCTCTCCCCCT-3'
Protein context (NP_000068.1, residues 1-19): MEPAAGSS[Met9Thr]EPSADWLATA

ClinVar aggregate classification (germline): Uncertain significance. Review status: criteria provided, multiple submitters, no conflicts (2 of 4 stars). 3 submissions from 3 submitters: Uncertain significance (3). Last evaluated 2025-08-31.

Conditions:
Hereditary cancer-predisposing syndrome. Also called: Tumor predisposition; Hereditary Cancer Syndrome; Neoplastic Syndromes, Hereditary; Hereditary neoplastic syndrome. Identifiers: Orphanet 140162, MedGen C0027672, MeSH D009386, MONDO:0015356.
Melanoma-pancreatic cancer syndrome. Identifiers: Orphanet 404560, MedGen C1838547, MONDO:0011713, OMIM 606719. Disease mechanism: loss of function.
Familial melanoma. Also called: Hereditary melanoma; Hereditary cutaneous melanoma. Identifiers: Orphanet 618, MedGen C1512419, MONDO:0018961.

gnomAD v4.1: 2 of 1,604,394 alleles (0.00012%); highest among the groups gnomAD compares: Non-Finnish European, 0.00017%; no homozygotes.

Submissions (3):

Labcorp Genetics (formerly Invitae), Labcorp
Classification: Uncertain significance for Familial melanoma. Last evaluated: 2025-08-31. Review status: criteria provided, single submitter. Criteria: Invitae Variant Classification Sherloc (09022015). Collection method: clinical testing. Allele origin: germline.
Comment: This sequence change replaces methionine, which is neutral and non-polar, with threonine, which is neutral and polar, at codon 9 of the CDKN2A (p16INK4a) protein (p.Met9Thr). This variant is not present in population databases (gnomAD no frequency). This variant has not been reported in the literature in individuals affected with CDKN2A (p16INK4a)-related conditions. ClinVar contains an entry for this variant (Variation ID: 483319). An algorithm developed to predict the effect of missense changes on protein structure and function (PolyPhen-2) suggests that this variant is likely to be tolerated. In summary, the available evidence is currently insufficient to determine the role of this variant in disease. Therefore, it has been classified as a Variant of Uncertain Significance.

Ambry Genetics
Classification: Uncertain significance for Hereditary cancer-predisposing syndrome. Last evaluated: 2025-05-14. Review status: criteria provided, single submitter. Criteria: Ambry Variant Classification Scheme 2023. Collection method: clinical testing. Allele origin: germline.
Comment: The p.M9T variant (also known as c.26T>C), located in coding exon 1 of the CDKN2A gene, results from a T to C substitution at nucleotide position 26. The methionine at codon 9 is replaced by threonine, an amino acid with similar properties. A functional study reported this variant as neutral based on in-vitro assessment of impact on proliferation in human pancreatic cancer cell lines (Kimura H et al. Elife, 2022 01;11:). This amino acid position is not well conserved in available vertebrate species. In addition, this alteration is predicted to be tolerated by in silico analysis. Since supporting evidence is limited at this time, the clinical significance of this alteration remains unclear.

Mendelics
Classification: Uncertain significance for Melanoma-pancreatic cancer syndrome. Last evaluated: 2019-05-28. Review status: criteria provided, single submitter. Criteria: Mendelics Assertion Criteria 2017. Collection method: clinical testing. Allele origin: unknown.

Literature cited by the submitters: PubMed 35001868 (cited by Ambry Genetics).